The following is an entry in ClinVar:

ClinVar aggregate classification (germline): Pathogenic (1 of 4 stars; one submission).

Conditions:
Sitosterolemia (STSL). Also called: PHYTOSTEROLEMIA. Identifiers: Orphanet 2882, MedGen C0342907, MONDO:0008863.

gnomAD v4.1: 5 of 1,613,998 alleles (0.00031%); highest among the groups gnomAD compares: African/African-American, 0.0013%; no homozygotes.

Submission:

Labcorp Genetics (formerly Invitae), Labcorp
Classification: Pathogenic for Sitosterolemia. Last evaluated: 2025-05-21. Review status: criteria provided, single submitter. Criteria: Invitae Variant Classification Sherloc (09022015). Collection method: clinical testing. Allele origin: germline.
Comment: This sequence change creates a premature translational stop signal (p.Gln63*) in the ABCG5 gene. It is expected to result in an absent or disrupted protein product. Loss-of-function variants in ABCG5 are known to be pathogenic (PMID: 11138003, 25665839). This variant is not present in population databases (gnomAD no frequency). This variant has not been reported in the literature in individuals affected with ABCG5-related conditions. ClinVar contains an entry for this variant (Variation ID: 3715753). For these reasons, this variant has been classified as Pathogenic.

Literature cited by the submitters: PubMed 11138003; PubMed 25665839.

NM_022436.3(ABCG5):c.187C>T (p.Gln63Ter)

Gene: ABCG5 (ATP binding cassette subfamily G member 5; minus strand). Cytogenetic location: 2p21.
Variant type: single nucleotide variant.
Coding change: c.187C>T on transcript NM_022436.3 (MANE Select); coding-DNA position 187, C replaced by T.
Protein change: p.Gln63Ter; replaces glutamine 63 with a stop codon.
Molecular consequence: nonsense.
Genome position (GRCh38, 1-based): chr2:43,837,912, G>A on the plus strand (C>T on the coding strand, the complement: ABCG5 is on the minus strand). VCF-style: chr2-43837912-G-A. GRCh37 (hg19) VCF-style: chr2-44065051-G-A.
Other names: short protein forms Q63*.
Identifiers: ClinVar variation 3715753 (VCV003715753.2).